The following is an entry in ClinVar:

NM_172364.5(CACNA2D4):c.1941-2A>G

Gene: CACNA2D4 (calcium voltage-gated channel auxiliary subunit alpha2delta 4; minus strand). Cytogenetic location: 12p13.33.
Variant type: single nucleotide variant.
Coding change: c.1941-2A>G on transcript NM_172364.5 (MANE Select); the canonical splice acceptor site of the intron before coding-DNA position 1941, A replaced by G.
Molecular consequence: splice acceptor variant.
Genome position (GRCh38, 1-based): chr12:1,858,646, T>C on the plus strand (A>G on the coding strand, the complement: CACNA2D4 is on the minus strand). VCF-style: chr12-1858646-T-C. GRCh37 (hg19) VCF-style: chr12-1967812-T-C.
Identifiers: ClinVar variation 2804574 (VCV002804574.3), dbSNP rs1324401075, ClinGen allele CA383349812.

ClinVar aggregate classification (germline): Uncertain significance (1 of 4 stars; one submission).

Allele frequency attached by ClinVar (database versions not stated): gnomAD exomes below 0.00001.
gnomAD v4.1: 1 of 1,594,124 alleles (0.000063%); no homozygotes.

Submission:

Labcorp Genetics (formerly Invitae), Labcorp
Classification: Uncertain significance. Last evaluated: 2023-02-05. Review status: criteria provided, single submitter. Criteria: Invitae Variant Classification Sherloc (09022015). Collection method: clinical testing. Allele origin: germline.
Comment: In summary, the available evidence is currently insufficient to determine the role of this variant in disease. Therefore, it has been classified as a Variant of Uncertain Significance. Algorithms developed to predict the effect of sequence changes on RNA splicing suggest that this variant may disrupt the consensus splice site. This variant has not been reported in the literature in individuals affected with CACNA2D4-related conditions. This variant is present in population databases (no rsID available, gnomAD 0.01%). This sequence change affects an acceptor splice site in intron 19 of the CACNA2D4 gene. It is expected to disrupt RNA splicing. Variants that disrupt the donor or acceptor splice site typically lead to a loss of protein function (PMID: 16199547), however the current clinical and genetic evidence is not sufficient to establish whether loss-of-function variants in CACNA2D4 cause disease.

Literature cited by the submitters: PubMed 16199547.